The following is an entry in ClinVar:

NM_015559.3(SETBP1):c.1626G>A (p.Met542Ile)

Gene: SETBP1 (SET binding protein 1; plus strand). Cytogenetic location: 18q12.3.
Variant type: single nucleotide variant.
Coding change: c.1626G>A on transcript NM_015559.3 (MANE Select); coding-DNA position 1626, G replaced by A.
Protein change: p.Met542Ile; replaces methionine 542 with isoleucine.
Molecular consequence: missense variant.
Genome position (GRCh38, 1-based): chr18:44,950,966, G>A. VCF-style: chr18-44950966-G-A. GRCh37 (hg19) VCF-style: chr18-42530931-G-A.
Other names: c.1626G>A, p.Met542Ile (NM_001379141.1, NM_001379142.1); short protein forms M542I.
Identifiers: ClinVar variation 1691749 (VCV001691749.2), dbSNP rs971847805, ClinGen allele CA299697724.
Genomic context (GRCh38, chr18:44,950,966, plus strand): 5'-GCATCCAAAATTTGCTGCAAAACGAAGGTGGACTTGCAGCAAACCAAAACCTAGCACCAT[G>A]CTTCGAGAGGCAGTTATGGCCACCTCTGATAAACTGATGCTGGAGCCCCCGTCTGCATAT-3'
Protein context (NP_056374.2, residues 532-552): WTCSKPKPST[Met542Ile]LREAVMATSD

ClinVar aggregate classification (germline): Uncertain significance (1 of 4 stars; one submission).

Allele frequency attached by ClinVar (database versions not stated): TOPMed below 0.00001.
gnomAD v4.1: 1 of 1,614,094 alleles (0.000062%); highest among the groups gnomAD compares: South Asian, 0.0011%; no homozygotes.

Submission:

GeneDx
Classification: Uncertain significance. Last evaluated: 2021-12-17. Review status: criteria provided, single submitter. Criteria: GeneDx Variant Classification Process June 2021. Collection method: clinical testing. Allele origin: germline. Affected: yes.
Comment: Not observed at significant frequency in large population cohorts (gnomAD); In silico analysis supports that this missense variant does not alter protein structure/function; Has not been previously published as pathogenic or benign to our knowledge